The following is an entry in ClinVar:

NM_003611.3(OFD1):c.2987A>G (p.Lys996Arg)

Gene: OFD1 (OFD1 centriole and centriolar satellite protein; plus strand). Cytogenetic location: Xp22.2.
Variant type: single nucleotide variant.
Coding change: c.2987A>G on transcript NM_003611.3 (MANE Select); coding-DNA position 2987, A replaced by G.
Protein change: p.Lys996Arg; replaces lysine 996 with arginine.
Molecular consequence: missense variant.
Genome position (GRCh38, 1-based): chrX:13,768,776, A>G. VCF-style: chrX-13768776-A-G. GRCh37 (hg19) VCF-style: chrX-13786895-A-G.
Other names: c.2867A>G, p.Lys956Arg (NM_001330209.2); c.2567A>G, p.Lys856Arg (NM_001330210.2); short protein forms K856R, K956R, K996R.
Identifiers: ClinVar variation 1319150 (VCV001319150.27), dbSNP rs777790587, ClinGen allele CA10352126.

ClinVar aggregate classification (germline): Uncertain significance. Review status: criteria provided, multiple submitters, no conflicts (2 of 4 stars). 2 submissions from 2 submitters: Uncertain significance (2). Last evaluated 2025-09-15.

Conditions:
Joubert syndrome. Also called: CEREBELLOPARENCHYMAL DISORDER IV; JOUBERT-BOLTSHAUSER SYNDROME; Familial aplasia of the vermis. Identifiers: Orphanet 475, MedGen C5979921, MONDO:0018772.
Orofaciodigital syndrome I (OFD1). Also called: OFDS I; Papillon-Leage and Psaume Syndrome; Oral-Facial-Digital Syndrome Type I. Identifiers: Orphanet 2750, MedGen C1510460, MONDO:0010702, OMIM 311200.

Allele frequency attached by ClinVar (database versions not stated): gnomAD exomes below 0.00001 and 0.00001.
gnomAD v4.1: 3 of 1,204,205 alleles (0.00025%); highest among the groups gnomAD compares: Non-Finnish European, 0.00034%; no homozygotes.

Submissions (2):

Labcorp Genetics (formerly Invitae), Labcorp
Classification: Uncertain significance for Orofaciodigital syndrome I; Joubert syndrome. Last evaluated: 2025-09-15. Review status: criteria provided, single submitter. Criteria: Invitae Variant Classification Sherloc (09022015). Collection method: clinical testing. Allele origin: germline.
Comment: This sequence change replaces lysine, which is basic and polar, with arginine, which is basic and polar, at codon 996 of the OFD1 protein (p.Lys996Arg). This variant is present in population databases (rs777790587, gnomAD 0.001%). This variant has not been reported in the literature in individuals affected with OFD1-related conditions. ClinVar contains an entry for this variant (Variation ID: 1319150). Invitae Evidence Modeling of protein sequence and biophysical properties (such as structural, functional, and spatial information, amino acid conservation, physicochemical variation, residue mobility, and thermodynamic stability) indicates that this missense variant is not expected to disrupt OFD1 protein function with a negative predictive value of 80%. In summary, the available evidence is currently insufficient to determine the role of this variant in disease. Therefore, it has been classified as a Variant of Uncertain Significance.

Institute for Clinical Genetics, University Hospital TU Dresden, University Hospital TU Dresden
Classification: Uncertain significance. Last evaluated: 2021-11-03. Review status: criteria provided, single submitter. Criteria: ACMG Guidelines, 2015. Collection method: clinical testing. Allele origin: germline.